The following is an entry in ClinVar:

NM_001148.6(ANK2):c.9997G>A (p.Val3333Ile)

Gene: ANK2 (ankyrin 2; plus strand). Cytogenetic location: 4q26.
Variant type: single nucleotide variant.
Coding change: c.9997G>A on transcript NM_001148.6 (MANE Select); coding-DNA position 9997, G replaced by A.
Protein change: p.Val3333Ile; replaces valine 3333 with isoleucine.
Molecular consequence: missense variant. On other transcripts: intron variant (68).
Genome position (GRCh38, 1-based): chr4:113,358,615, G>A. VCF-style: chr4-113358615-G-A. GRCh37 (hg19) VCF-style: chr4-114279771-G-A.
Other names: c.9763G>A, p.Val3255Ile (NM_001386142.1); c.6397G>A, p.Val2133Ile (NM_001386166.1); c.10138G>A, p.Val3380Ile (NM_001386174.1); c.10114G>A, p.Val3372Ile (NM_001386175.1); c.4412-2208G>A (NM_001386186.2, NM_001386148.2); c.4214-2208G>A (NM_001354269.3); c.4292-2208G>A (NM_001386187.2); c.4253-2208G>A (NM_001386147.1); and 35 more; short protein forms V3255I, V3380I, V2133I, V3333I, V3372I.
Identifiers: ClinVar variation 1768833 (VCV001768833.3), dbSNP rs1329206145, ClinGen allele CA357939452.

ClinVar aggregate classification (germline): Uncertain significance. Review status: criteria provided, multiple submitters, no conflicts (2 of 4 stars). 2 submissions from 2 submitters: Uncertain significance (2). Last evaluated 2025-03-18.

Conditions:
Cardiovascular phenotype. Identifiers: MedGen CN230736.
Long QT syndrome (LQTS). Identifiers: MedGen C0023976, MeSH D008133, MONDO:0002442. Disease mechanism: loss of function. Inheritance: Various modes of inheritance.

Allele frequency attached by ClinVar (database versions not stated): gnomAD exomes below 0.00001; TOPMed 0.00001.
gnomAD v4.1: 2 of 1,614,088 alleles (0.00012%); highest among the groups gnomAD compares: African/African-American, 0.0013%; no homozygotes.

Submissions (2):

Labcorp Genetics (formerly Invitae), Labcorp
Classification: Uncertain significance for Long QT syndrome. Last evaluated: 2025-03-18. Review status: criteria provided, single submitter. Criteria: Invitae Variant Classification Sherloc (09022015). Collection method: clinical testing. Allele origin: germline.
Comment: This sequence change replaces valine, which is neutral and non-polar, with isoleucine, which is neutral and non-polar, at codon 3333 of the ANK2 protein (p.Val3333Ile). This variant is present in population databases (no rsID available, gnomAD 0.007%). This variant has not been reported in the literature in individuals affected with ANK2-related conditions. ClinVar contains an entry for this variant (Variation ID: 1768833). An algorithm developed to predict the effect of missense changes on protein structure and function (PolyPhen-2) suggests that this variant is likely to be tolerated. In summary, the available evidence is currently insufficient to determine the role of this variant in disease. Therefore, it has been classified as a Variant of Uncertain Significance.

Ambry Genetics
Classification: Uncertain significance for Cardiovascular phenotype. Last evaluated: 2022-10-11. Review status: criteria provided, single submitter. Criteria: Ambry Variant Classification Scheme 2023. Collection method: clinical testing. Allele origin: germline.
Comment: The p.V3333I variant (also known as c.9997G>A), located in coding exon 38 of the ANK2 gene, results from a G to A substitution at nucleotide position 9997. The valine at codon 3333 is replaced by isoleucine, an amino acid with highly similar properties. This amino acid position is conserved. In addition, this alteration is predicted to be tolerated by in silico analysis. Since supporting evidence is limited at this time, the clinical significance of this alteration remains unclear.